The following is an entry in ClinVar:

ClinVar aggregate classification (germline): Pathogenic/Likely pathogenic. Review status: criteria provided, multiple submitters, no conflicts (2 of 4 stars). 2 submissions from 2 submitters: Pathogenic (1); Likely pathogenic (1). Last evaluated 2024-09-10.

Conditions:
Cardiovascular phenotype. Identifiers: MedGen CN230736.
DMD-related disorder. Also called: DMD-related condition.

Submissions (2):

Ambry Genetics
Classification: Likely pathogenic for Cardiovascular phenotype. Last evaluated: 2024-09-10. Review status: criteria provided, single submitter. Criteria: Ambry Variant Classification Scheme 2023. Collection method: clinical testing. Allele origin: germline.
Comment: The c.9974+1G>A intronic variant results from a G to A substitution one nucleotide after coding exon 68 of the DMD gene. Alterations that disrupt the canonical splice site are expected to cause aberrant splicing, resulting in an abnormal protein or a transcript that is subject to nonsense-mediated mRNA decay. This variant was not reported in population-based cohorts in the Genome Aggregation Database (gnomAD). This variant was reported in an individual with features consistent with DMD-related dystrophinopathy (Flanigan, 2009). This nucleotide position is highly conserved in available vertebrate species. In silico splice site analysis predicts that this alteration will weaken the native splice donor site and may result in the creation or strengthening of a novel splice donor site. Based on the available evidence, this alteration is classified as likely pathogenic.

Blueprint Genetics
Classification: Pathogenic for DMD-related disorders. Last evaluated: 2023-11-28. Review status: criteria provided, single submitter. Criteria: ACMG Guidelines, 2015. Collection method: clinical testing. Allele origin: germline. Affected: yes. Observed: 1 variant allele.

Literature cited by the submitters: PubMed 19937601 (cited by Ambry Genetics).

NM_004006.3(DMD):c.9974+1G>A

Gene: DMD (dystrophin; minus strand). Cytogenetic location: Xp21.2.
Variant type: single nucleotide variant.
Coding change: c.9974+1G>A on transcript NM_004006.3 (MANE Select); the canonical splice donor site of the intron after coding-DNA position 9974, G replaced by A.
Molecular consequence: splice donor variant.
Genome position (GRCh38, 1-based): chrX:31,182,737, C>T on the plus strand (G>A on the coding strand, the complement: DMD is on the minus strand). VCF-style: chrX-31182737-C-T. GRCh37 (hg19) VCF-style: chrX-31200854-C-T.
Other names: c.9950+1G>A (NM_000109.4); c.5951+1G>A (NM_004011.4); c.5942+1G>A (NM_004012.4); c.2594+1G>A (NM_004023.3, NM_004020.4, NM_004022.3 and 2 more transcripts); c.1787+1G>A (NM_004014.3); c.770+1G>A (NM_004018.3, NM_004017.3, NM_004016.3 and 2 more transcripts); c.9962+1G>A (NM_004009.3); c.9605+1G>A (NM_004010.3).
Identifiers: ClinVar variation 3502635 (VCV003502635.2).